The following is an entry in ClinVar:

NM_001417890.1(NKRF):c.619C>G (p.Gln207Glu)

Gene: NKRF (NFKB repressing factor; minus strand). Cytogenetic location: Xq24.
Variant type: single nucleotide variant.
Coding change: c.619C>G on transcript NM_001417890.1 (MANE Select); coding-DNA position 619, C replaced by G.
Protein change: p.Gln207Glu; replaces glutamine 207 with glutamic acid.
Molecular consequence: missense variant. On other transcripts: non-coding transcript variant (1).
Genome position (GRCh38, 1-based): chrX:119,591,088, G>C on the plus strand (C>G on the coding strand, the complement: NKRF is on the minus strand). VCF-style: chrX-119591088-G-C. GRCh37 (hg19) VCF-style: chrX-118725051-G-C.
Other names: NM_001173487.1:c.382C>G; short protein forms Q207E.
Identifiers: ClinVar variation 4861069 (VCV004861069.1).

ClinVar aggregate classification (germline): Uncertain significance (1 of 4 stars; one submission).

Submission:

Ambry Genetics
Classification: Uncertain significance. Last evaluated: 2026-05-27. Review status: criteria provided, single submitter. Criteria: Ambry Variant Classification Scheme 2023. Collection method: clinical testing. Allele origin: germline.
Comment: The c.382C>G (p.Q128E) alteration is located in exon 4 (coding exon 3) of the NKRF gene. This alteration results from a C to G substitution at nucleotide position 382, causing the glutamine (Q) at amino acid position 128 to be replaced by a glutamic acid (E). Based on data from gnomAD, the G allele has an overall frequency of <0.001% (1/183410) total alleles studied. The highest observed frequency was 0.001% (1/81857) of European (non-Finnish) alleles. Based on insufficient or conflicting evidence, the clinical significance of this alteration remains unclear.